The following is an entry in ClinVar:

ClinVar aggregate classification (germline): Uncertain significance (1 of 4 stars; one submission).

gnomAD v4.1: 63 of 1,613,772 alleles (0.0039%); highest among the groups gnomAD compares: Admixed American, 0.005%; no homozygotes.

Submission:

Labcorp Genetics (formerly Invitae), Labcorp
Classification: Uncertain significance. Last evaluated: 2026-01-27. Review status: criteria provided, single submitter. Criteria: Invitae Variant Classification Sherloc (09022015). Collection method: clinical testing. Allele origin: germline.
Comment: This sequence change replaces arginine, which is basic and polar, with glutamine, which is neutral and polar, at codon 137 of the TBX15 protein (p.Arg137Gln). This variant is present in population databases (rs138218981, gnomAD 0.008%). This variant has not been reported in the literature in individuals affected with TBX15-related conditions. Invitae Evidence Modeling of protein sequence and biophysical properties (such as structural, functional, and spatial information, amino acid conservation, physicochemical variation, residue mobility, and thermodynamic stability) indicates that this missense variant is expected to disrupt TBX15 protein function with a positive predictive value of 80%. In summary, the available evidence is currently insufficient to determine the role of this variant in disease. Therefore, it has been classified as a Variant of Uncertain Significance.

NM_001330677.2(TBX15):c.728G>A (p.Arg243Gln)

Gene: TBX15 (T-box transcription factor 15; minus strand). Cytogenetic location: 1p12.
Variant type: single nucleotide variant.
Coding change: c.728G>A on transcript NM_001330677.2 (MANE Select); coding-DNA position 728, G replaced by A.
Protein change: p.Arg243Gln; replaces arginine 243 with glutamine.
Molecular consequence: missense variant.
Genome position (GRCh38, 1-based): chr1:118,923,569, C>T on the plus strand (G>A on the coding strand, the complement: TBX15 is on the minus strand). VCF-style: chr1-118923569-C-T. GRCh37 (hg19) VCF-style: chr1-119466192-C-T.
Other names: c.410G>A, p.Arg137Gln (NM_152380.3); short protein forms R137Q, R243Q.
Identifiers: ClinVar variation 4700131 (VCV004700131.1).